The following is an entry in ClinVar:

ClinVar aggregate classification (germline): Conflicting classifications of pathogenicity. Review status: criteria provided, conflicting classifications (1 of 4 stars). 3 submissions from 2 submitters: Uncertain significance (1); Likely benign (2). Last evaluated 2021-05-21.

Conditions:
Autosomal recessive nonsyndromic hearing loss 4 (DFNB4). Also called: Deafness, autosomal recessive 4, with enlarged vestibular aqueduct; FOXI1-Related Pendred Syndrome; KCNJ10-Related Pendred Syndrome; DEAFNESS, AUTOSOMAL RECESSIVE 4, WITH ENLARGED VESTIBULAR AQUEDUCT, DIGENIC; NEUROSENSORY NONSYNDROMIC RECESSIVE DEAFNESS 4; Deafness, autosomal recessive 4. Identifiers: Orphanet 90636, MedGen C3538946, MONDO:0010933, OMIM 600791.
Pendred syndrome (PDS). Also called: DEAFNESS WITH GOITER; GOITER-DEAFNESS SYNDROME; HYPOTHYROIDISM, CONGENITAL, DUE TO DYSHORMONOGENESIS, 2B; THYROID DYSHORMONOGENESIS 2B; THYROID HORMONOGENESIS, GENETIC DEFECT IN, 2B; Pendred's syndrome. Identifiers: Orphanet 705, MedGen C0271829, MONDO:0010134, OMIM 274600.

Allele frequency attached by ClinVar (database versions not stated): gnomAD exomes 0.00091; 1000 Genomes Project 30x 0.00468; 1000 Genomes Project 0.00479; gnomAD 0.00496 and 0.00535; TOPMed 0.00547.
gnomAD v4.1: 853 of 263,472 alleles (0.32%); highest among the groups gnomAD compares: African/African-American, 1.8%; 12 homozygotes.

Submissions (3):

GeneDx
Classification: Likely benign. Last evaluated: 2021-05-21. Review status: criteria provided, single submitter. Criteria: GeneDx Variant Classification Process June 2021. Collection method: clinical testing. Allele origin: germline. Affected: yes.

Illumina Laboratory Services, Illumina
Classification: Likely benign for Pendred syndrome. Last evaluated: 2018-01-13. Review status: criteria provided, single submitter. Criteria: ICSL Variant Classification Criteria 13 December 2019. Collection method: clinical testing. Allele origin: germline.
Comment: This variant was observed in the ICSL laboratory as part of a predisposition screen in an ostensibly healthy population. It had not been previously curated by ICSL or reported in the Human Gene Mutation Database (HGMD: prior to June 1st, 2018), and was therefore a candidate for classification through an automated scoring system. Utilizing variant allele frequency, disease prevalence and penetrance estimates, and inheritance mode, an automated score was calculated to assess if this variant is too frequent to cause the disease. Based on the score and internal cut-off values, a variant classified as likely benign is not then subjected to further curation. The score for this variant resulted in a classification of likely benign for this disease.

Illumina Laboratory Services, Illumina
Classification: Uncertain significance for Autosomal recessive nonsyndromic hearing loss 4. Last evaluated: 2018-01-13. Review status: criteria provided, single submitter. Criteria: ICSL Variant Classification Criteria 13 December 2019. Collection method: clinical testing. Allele origin: germline.

NM_000441.2(SLC26A4):c.*376A>G

Gene: SLC26A4 (solute carrier family 26 member 4; plus strand). Cytogenetic location: 7q22.3.
Variant type: single nucleotide variant.
Coding change: c.*376A>G on transcript NM_000441.2 (MANE Select); 376 bases downstream of the stop codon, A replaced by G.
Molecular consequence: 3 prime UTR variant.
Genome position (GRCh38, 1-based): chr7:107,715,822, A>G. VCF-style: chr7-107715822-A-G. GRCh37 (hg19) VCF-style: chr7-107356267-A-G.
Identifiers: ClinVar variation 912067 (VCV000912067.5), dbSNP rs540093295, ClinGen allele CA164232305.